The following is an entry in ClinVar:

NM_002354.3(EPCAM):c.485T>C (p.Leu162Ser)

Gene: EPCAM (epithelial cell adhesion molecule; plus strand). Cytogenetic location: 2p21.
Variant type: single nucleotide variant.
Coding change: c.485T>C on transcript NM_002354.3 (MANE Select); coding-DNA position 485, T replaced by C.
Protein change: p.Leu162Ser; replaces leucine 162 with serine.
Molecular consequence: missense variant.
Genome position (GRCh38, 1-based): chr2:47,375,293, T>C. VCF-style: chr2-47375293-T-C. GRCh37 (hg19) VCF-style: chr2-47602432-T-C.
Other names: short protein forms L162S.
Identifiers: ClinVar variation 5036029 (VCV005036029.1).

ClinVar aggregate classification (germline): Uncertain significance (1 of 4 stars; one submission).

Conditions:
Hereditary cancer-predisposing syndrome. Also called: Hereditary Cancer Syndrome; Neoplastic Syndromes, Hereditary; Tumor predisposition; Hereditary neoplastic syndrome. Identifiers: Orphanet 140162, MedGen C0027672, MeSH D009386, MONDO:0015356.

Submission:

Ambry Genetics
Classification: Uncertain significance for Hereditary cancer-predisposing syndrome. Last evaluated: 2026-08-02. Review status: criteria provided, single submitter. Criteria: Ambry Variant Classification Scheme 2023. Collection method: clinical testing. Allele origin: germline.
Comment: The p.L162S variant (also known as c.485T>C), located in coding exon 4 of the EPCAM gene, results from a T to C substitution at nucleotide position 485. The leucine at codon 162 is replaced by serine, an amino acid with dissimilar properties. This amino acid position is conserved. In addition, this alteration is predicted to be deleterious by in silico analysis. Based on the available evidence, the clinical significance of this variant remains unclear.